The following is an entry in ClinVar:

ClinVar aggregate classification (germline): Pathogenic/Likely pathogenic. Review status: criteria provided, multiple submitters, no conflicts (2 of 4 stars). 28 submissions from 28 submitters: Pathogenic (23); Likely pathogenic (1). 4 of the submissions do not count toward it. Last evaluated 2026-09-21.

Conditions:
Cardiovascular phenotype. Identifiers: MedGen CN230736.
GLA-related disorder. Also called: GLA-related condition.
Fabry disease. Also called: CERAMIDE TRIHEXOSIDASE DEFICIENCY; GLA DEFICIENCY; HEREDITARY DYSTOPIC LIPIDOSIS; Fabry's disease; Ceramide trihexosidosis; ALPHA-GALACTOSIDASE A DEFICIENCY. Identifiers: Orphanet 324, MedGen C0002986, MONDO:0010526, OMIM 301500, HP:0001071. Disease mechanism: Fabry disease is due to inactivating mutations in the X-linked GLA gene resulting in deficiency of the enzyme Alpha Galactosidase-A., loss of function.

Allele frequency attached by ClinVar (database versions not stated): ExAC 0.00001; gnomAD exomes 0.00001 and 0.00002; TOPMed 0.00001; gnomAD 0.00002; ESP Exome Variant Server 0.00009.

Submissions 1 to 6 of 28:

PreventionGenetics, part of Exact Sciences
Classification: Pathogenic for GLA-related condition. Last evaluated: 2026-09-21. Review status: criteria provided, single submitter. Criteria: ACMG Guidelines, 2015. Collection method: clinical testing. Allele origin: germline.
Comment: The GLA c.335G>A variant is predicted to result in the amino acid substitution p.Arg112His. This variant has been reported in multiple patients with classic, atypical, and late-onset Fabry disease, including enzymatically diagnosed males (Eng et al. 1994. PubMed ID: 7531540; Shimotori et al. 2008. PubMed ID: 18205205; Duro et al. 2018. PubMed ID: 30477121; Nishida et al. 2014. PubMed ID: 23913314; Sechi et al. 2014. PubMed ID: 25026990; Ishii et al. 2007. PubMed ID: 17555407). Consistent with this, the p.Arg112His variant has significantly reduced enzymatic activity (less than 10% of normal) in patient fibroblasts and transfected cell lines and was shown to be responsive to DGJ treatment in vitro (Ishii et al. 2007. PubMed ID: 17555407; Shimotori et al. 2008. PubMed ID: 18205205; Lukas et al. 2013. PubMed ID: 23935525). In ClinVar, the c.335G>A (p.Arg112His) variant is interpreted as likely pathogenic or pathogenic by multiple other laboratories (Variation ID: 195028). Additionally, alternative missense changes at the same amino acid position (i.e. p.Arg112Cys and p.Arg112Leu) have also been reported in patients with Fabry disease (see for example: Park et al. 2009. PubMed ID: 19287194; Degirmenci et al. 2017. PubMed ID: 28337063). This variant is reported in 0.0024% of alleles in individuals of European (Non-Finnish) descent in gnomAD. Based on the available evidence, we classify the c.335G>A (p.Arg112His) variant as pathogenic.

Genomenon, Inc
Classification: Pathogenic for Fabry disease. Last evaluated: 2026-09-08. Review status: criteria provided, single submitter. Criteria: Genomenon Sequence Variant Interpretation Standards - Updated. Collection method: curation. Allele origin: germline. Affected: yes.
Comment: GLA p.Arg112His (c.335G>A) is a missense variant that changes the amino acid at codon 112 from Arginine to Histidine. This variant has been observed in at least one proband with clinical features consistent with Fabry disease (PMID:24395922;32418857;33072516;27560961;29543226;18287059;26880903;26563328;30386727;23691425). The variant was found to segregate with disease in at least one affected family (PMID:23691425;26563328;17206462;15713906;30386727). At least one functional study has demonstrated a substantial alteration in protein function relative to the wild-type (PMID:32023956;21598360;30723321;23474038;27657681;18205205). It is absent or not present at a significant frequency in gnomAD. In silico models predict that this variant is possibly or probably damaging. In conclusion, we classify GLA p.Arg112His (c.335G>A) as a pathogenic variant.

CeGaT Center for Human Genetics Tuebingen
Classification: Pathogenic. Last evaluated: 2026-03-01. Review status: criteria provided, single submitter. Criteria: CeGaT Center For Human Genetics Tuebingen Variant Classification Criteria Version 2. Collection method: clinical testing. Allele origin: germline. Affected: yes. Observed: 2 variant alleles.
Comment: GLA: PS4, PM5, PS3:Moderate, PM1:Supporting, PM2:Supporting

Labcorp Genetics (formerly Invitae), Labcorp
Classification: Pathogenic for Fabry disease. Last evaluated: 2025-12-28. Review status: criteria provided, single submitter. Criteria: Invitae Variant Classification Sherloc (09022015). Collection method: clinical testing. Allele origin: germline.
Comment: This sequence change replaces arginine, which is basic and polar, with histidine, which is basic and polar, at codon 112 of the GLA protein (p.Arg112His). This variant is present in population databases (rs372966991, gnomAD 0.004%). This missense change has been observed in individual(s) with Fabry disease (PMID: 7531540, 17532296, 18205205, 25026990, 25040344). ClinVar contains an entry for this variant (Variation ID: 195028). Invitae Evidence Modeling of protein sequence and biophysical properties (such as structural, functional, and spatial information, amino acid conservation, physicochemical variation, residue mobility, and thermodynamic stability) indicates that this missense variant is expected to disrupt GLA protein function with a positive predictive value of 80%. Experimental studies have shown that this missense change does not substantially affect GLA function (PMID: 17555407, 21598360, 23935525). For these reasons, this variant has been classified as Pathogenic.

Color Diagnostics, LLC DBA Color Health
Classification: Pathogenic for Fabry disease. Last evaluated: 2025-11-17. Review status: criteria provided, single submitter. Criteria: ACMG Guidelines, 2015. Collection method: clinical testing. Allele origin: germline.
Comment: This missense variant replaces arginine with histidine at codon 112 of the GLA protein. Computational prediction tools indicate that this variant has a deleterious impact on protein structure and function. Functional studies in both cells derived from hemizygous carrier individuals and in heterologous transfected cell lines have shown that this variant causes a significant reduction in residual GLA activity (PMID: 17555407, 18205205, 32023956). This variant has been reported in at least 10 unrelated hemizygous males and heterozygous females affected with non-classical, variant Fabry disease (PMID: 17555407, 18205205, 25040344, 25026990, 33204599, 34803097, 37480128Zhiyon 2012)in many cases, GLA enzyme activity was significantly reduced and in the range observed with classical Fabry disease. A different variant occurring at the same codon, p.Arg112Cys, is considered to be disease-causing (Clinvar variation ID: 92550), indicating that arginine at this position is important for GLA protein function. This variant has been identified in 2/183395 chromosomes in the general population by the Genome Aggregation Database (gnomAD). Based on the available evidence, this variant is classified as Pathogenic. This variant has been identified in 22/1210198 chromosomes in the general population by the Genome Aggregation Database (gnomAD). Based on the available evidence, this variant is classified as Pathogenic.

Myriad Genetics, Inc.
Classification: Pathogenic for Fabry disease. Last evaluated: 2025-11-12. Review status: criteria provided, single submitter. Criteria: Myriad Autosomal Dominant, Autosomal Recessive and X-Linked Classification Criteria (2023). Collection method: clinical testing. Allele origin: unknown.
Comment: NM_000169.2(GLA):c.335G>A(R112H) is a missense variant classified as pathogenic in the context of Fabry disease. Please note that R112H is associated with a broad spectrum of disease. R112H has been observed in cases with relevant disease (PMID: 30386727, 25596309, 11889412, 7531540). Relevant functional assessments of this variant are not available in the literature. R112H has been observed in referenced population frequency databases. In summary, NM_000169.2(GLA):c.335G>A(R112H) is a missense variant that has been observed more frequently in cases with the relevant disease than in healthy populations. Please note: this variant was assessed in the context of healthy population screening.

NM_000169.3(GLA):c.335G>A (p.Arg112His)

Genes: GLA (galactosidase alpha; minus strand), HNRNPH2 (heterogeneous nuclear ribonucleoprotein H2; plus strand), RPL36A-HNRNPH2 (RPL36A-HNRNPH2 readthrough; plus strand). Cytogenetic location: Xq22.1.
Variant type: single nucleotide variant.
Coding change: c.335G>A on transcript NM_000169.3 (MANE Select); coding-DNA position 335, G replaced by A.
Protein change: p.Arg112His; replaces arginine 112 with histidine.
Molecular consequence: missense variant. On other transcripts: non-coding transcript variant (3), intron variant (2).
Genome position (GRCh38, 1-based): chrX:101,403,845, C>T on the plus strand (G>A on the coding strand, the complement: GLA is on the minus strand). VCF-style: chrX-101403845-C-T. GRCh37 (hg19) VCF-style: chrX-100658833-C-T.
Other names: c.458G>A, p.Arg153His (NM_001406747.1, NM_001406749.1); c.335G>A, p.Arg112His (NM_001406748.1); c.301-8091C>T (NM_001199973.2); c.178-8091C>T (NM_001199974.2); c.335G>A (NM_000169.2); short protein forms R112H, R153H.
Identifiers: ClinVar variation 195028 (VCV000195028.90), dbSNP rs372966991, ClinGen allele CA021645.
Genomic context (GRCh38, chrX:101,403,845, plus strand): 5'-AACAAGAACATTATCTATAAACTCACATAATTAGCTAGCTGGCGAATCCCATGAGGAAAG[C>T]GCTGAGGGTCTGCCTGAAGTCTGCCTTCTGAATCTCTTTGGGGAGCCATCCAACAGTCAT-3'
Protein context (NP_000160.1, residues 102-122): SEGRLQADPQ[Arg112His]FPHGIRQLAN